The following is an entry in ClinVar:

NM_000094.4(COL7A1):c.6546T>G (p.His2182Gln)

Gene: COL7A1 (collagen type VII alpha 1 chain; minus strand). Cytogenetic location: 3p21.31.
Variant type: single nucleotide variant.
Coding change: c.6546T>G on transcript NM_000094.4 (MANE Select); coding-DNA position 6546, T replaced by G.
Protein change: p.His2182Gln; replaces histidine 2182 with glutamine.
Molecular consequence: missense variant.
Genome position (GRCh38, 1-based): chr3:48,573,717, A>C on the plus strand (T>G on the coding strand, the complement: COL7A1 is on the minus strand). VCF-style: chr3-48573717-A-C. GRCh37 (hg19) VCF-style: chr3-48611150-A-C.
Other names: short protein forms H2182Q.
Identifiers: ClinVar variation 1392153 (VCV001392153.8), dbSNP rs1459217638, ClinGen allele CA352657052.
Genomic context (GRCh38, chr3:48,573,717, plus strand): 5'-ACCCTCACCAGGCAGTGTTCCCTGGTCACTCACCGGGGCACCAGGTGGTCCAGGGTCTCC[A>C]TGACCACCCTGTTGTGGCGAAAAAGAGTCTGATGAGGGGGAGTTAGCCGCACCCCACCAA-3'
Protein context (NP_000085.1, residues 2172-2192): PRGPPGPVGG[His2182Gln]GDPGPPGAPG

ClinVar aggregate classification (germline): Uncertain significance (1 of 4 stars; one submission).

Allele frequency attached by ClinVar (database versions not stated): gnomAD exomes 0.00001.
gnomAD v4.1: 4 of 1,613,468 alleles (0.00025%); highest among the groups gnomAD compares: Admixed American, 0.0033%; no homozygotes.

Submission:

Labcorp Genetics (formerly Invitae), Labcorp
Classification: Uncertain significance. Last evaluated: 2024-08-31. Review status: criteria provided, single submitter. Criteria: Invitae Variant Classification Sherloc (09022015). Collection method: clinical testing. Allele origin: germline.
Comment: This sequence change replaces histidine, which is basic and polar, with glutamine, which is neutral and polar, at codon 2182 of the COL7A1 protein (p.His2182Gln). This variant is present in population databases (no rsID available, gnomAD 0.003%). This variant has not been reported in the literature in individuals affected with COL7A1-related conditions. ClinVar contains an entry for this variant (Variation ID: 1392153). Invitae Evidence Modeling of protein sequence and biophysical properties (such as structural, functional, and spatial information, amino acid conservation, physicochemical variation, residue mobility, and thermodynamic stability) indicates that this missense variant is not expected to disrupt COL7A1 protein function with a negative predictive value of 95%. In summary, the available evidence is currently insufficient to determine the role of this variant in disease. Therefore, it has been classified as a Variant of Uncertain Significance.